The following is an entry in ClinVar:

NM_004984.4(KIF5A):c.151C>T (p.Arg51Cys)

Gene: KIF5A (kinesin family member 5A; plus strand). Cytogenetic location: 12q13.3.
Variant type: single nucleotide variant.
Coding change: c.151C>T on transcript NM_004984.4 (MANE Select); coding-DNA position 151, C replaced by T.
Protein change: p.Arg51Cys; replaces arginine 51 with cysteine.
Molecular consequence: missense variant. On other transcripts: intron variant (1).
Genome position (GRCh38, 1-based): chr12:57,563,460, C>T. VCF-style: chr12-57563460-C-T. GRCh37 (hg19) VCF-style: chr12-57957243-C-T.
Other names: c.151C>T (NM_004984.2); c.130-1000C>T (NM_001354705.2); short protein forms R51C.
Identifiers: ClinVar variation 1362423 (VCV001362423.11), dbSNP rs769763596, ClinGen allele CA6652518.

ClinVar aggregate classification (germline): Uncertain significance. Review status: criteria provided, multiple submitters, no conflicts (2 of 4 stars). 3 submissions from 3 submitters: Uncertain significance (3). Last evaluated 2024-04-12.

Conditions:
Inborn genetic diseases. Identifiers: MedGen C0950123, MeSH D030342.
Spastic paraplegia. Identifiers: MedGen C0037772, HP:0001258.
Hereditary spastic paraplegia 10 (SPG10). Also called: SPASTIC PARAPLEGIA 10 WITH OR WITHOUT PERIPHERAL NEUROPATHY; SPASTIC PARAPLEGIA 10 WITH PERIPHERAL NEUROPATHY; SPASTIC PARAPLEGIA 10, AUTOSOMAL DOMINANT. Identifiers: Orphanet 100991, MedGen C1858712, MONDO:0011408, OMIM 604187.

Allele frequency attached by ClinVar (database versions not stated): gnomAD exomes below 0.00001 and 0.00001; TOPMed below 0.00001; gnomAD 0.00001; ExAC 0.00002.
gnomAD v4.1: 8 of 1,612,732 alleles (0.0005%); highest among the groups gnomAD compares: South Asian, 0.0022%; no homozygotes.

Submissions (3):

Labcorp Genetics (formerly Invitae), Labcorp
Classification: Uncertain significance for Spastic paraplegia. Last evaluated: 2024-04-12. Review status: criteria provided, single submitter. Criteria: Invitae Variant Classification Sherloc (09022015). Collection method: clinical testing. Allele origin: germline.
Comment: This sequence change replaces arginine, which is basic and polar, with cysteine, which is neutral and slightly polar, at codon 51 of the KIF5A protein (p.Arg51Cys). This variant is present in population databases (rs769763596, gnomAD 0.006%). This variant has not been reported in the literature in individuals affected with KIF5A-related conditions. ClinVar contains an entry for this variant (Variation ID: 1362423). Advanced modeling of protein sequence and biophysical properties (such as structural, functional, and spatial information, amino acid conservation, physicochemical variation, residue mobility, and thermodynamic stability) has been performed at Invitae for this missense variant, however the output from this modeling did not meet the statistical confidence thresholds required to predict the impact of this variant on KIF5A protein function. In summary, the available evidence is currently insufficient to determine the role of this variant in disease. Therefore, it has been classified as a Variant of Uncertain Significance.

Ambry Genetics
Classification: Uncertain significance for Inborn genetic diseases. Last evaluated: 2022-09-22. Review status: criteria provided, single submitter. Criteria: Ambry Variant Classification Scheme 2023. Collection method: clinical testing. Allele origin: germline.

MGZ Medical Genetics Center
Classification: Uncertain significance for Hereditary spastic paraplegia 10. Last evaluated: 2021-08-13. Review status: criteria provided, single submitter. Criteria: ACMG Guidelines, 2015. Collection method: clinical testing. Allele origin: germline. Affected: yes. Observed: 1 variant allele.
Comment: ACMG criteria applied: PM1, PM2_SUP, PP2, PP3